The following is an entry in ClinVar:

ClinVar aggregate classification (germline): Uncertain significance (1 of 4 stars; one submission).

Allele frequency attached by ClinVar (database versions not stated): gnomAD exomes below 0.00001.
gnomAD v4.1: 2 of 1,399,142 alleles (0.00014%); highest among the groups gnomAD compares: Non-Finnish European, 0.00019%; no homozygotes.

Submission:

Labcorp Genetics (formerly Invitae), Labcorp
Classification: Uncertain significance. Last evaluated: 2022-07-13. Review status: criteria provided, single submitter. Criteria: Invitae Variant Classification Sherloc (09022015). Collection method: clinical testing. Allele origin: germline.
Comment: In summary, the available evidence is currently insufficient to determine the role of this variant in disease. Therefore, it has been classified as a Variant of Uncertain Significance. Algorithms developed to predict the effect of missense changes on protein structure and function (SIFT, PolyPhen-2, Align-GVGD) all suggest that this variant is likely to be tolerated. This sequence change replaces alanine, which is neutral and non-polar, with valine, which is neutral and non-polar, at codon 140 of the GATA5 protein (p.Ala140Val). This variant is not present in population databases (gnomAD no frequency). This variant has not been reported in the literature in individuals affected with GATA5-related conditions.

NM_080473.5(GATA5):c.419C>T (p.Ala140Val)

Gene: GATA5 (GATA binding protein 5; minus strand). Cytogenetic location: 20q13.33.
Variant type: single nucleotide variant.
Coding change: c.419C>T on transcript NM_080473.5 (MANE Select); coding-DNA position 419, C replaced by T.
Protein change: p.Ala140Val; replaces alanine 140 with valine.
Molecular consequence: missense variant.
Genome position (GRCh38, 1-based): chr20:62,475,103, G>A on the plus strand (C>T on the coding strand, the complement: GATA5 is on the minus strand). VCF-style: chr20-62475103-G-A. GRCh37 (hg19) VCF-style: chr20-61050159-G-A.
Other names: short protein forms A140V.
Identifiers: ClinVar variation 2059776 (VCV002059776.4), dbSNP rs2516446669, ClinGen allele CA409556408.
Genomic context (GRCh38, chr20:62,475,103, plus strand): 5'-TCGAAGGGCCCGGCAGTCCAGGACTGGGCCACGTCGGGGCTCACGTAGGCCGGGTAGGTG[G>A]CGGAGTACGAGGTCCCCACCGGCCGCCCAAGCGGGGCCGCGAACTGTTCTCGAGGCAACA-3'
Protein context (NP_536721.1, residues 130-150): LGRPVGTSYS[Ala140Val]TYPAYVSPDV